The following is an entry in ClinVar:

NM_001148.6(ANK2):c.9575A>G (p.Glu3192Gly)

Gene: ANK2 (ankyrin 2; plus strand). Cytogenetic location: 4q26.
Variant type: single nucleotide variant.
Coding change: c.9575A>G on transcript NM_001148.6 (MANE Select); coding-DNA position 9575, A replaced by G.
Protein change: p.Glu3192Gly; replaces glutamic acid 3192 with glycine.
Molecular consequence: missense variant. On other transcripts: intron variant (68).
Genome position (GRCh38, 1-based): chr4:113,358,193, A>G. VCF-style: chr4-113358193-A-G. GRCh37 (hg19) VCF-style: chr4-114279349-A-G.
Other names: c.9341A>G, p.Glu3114Gly (NM_001386142.1); c.5975A>G, p.Glu1992Gly (NM_001386166.1); c.9716A>G, p.Glu3239Gly (NM_001386174.1); c.9692A>G, p.Glu3231Gly (NM_001386175.1); c.4412-2630A>G (NM_001386186.2, NM_001386148.2); c.4214-2630A>G (NM_001354269.3); c.4292-2630A>G (NM_001386187.2); c.4253-2630A>G (NM_001386147.1); and 35 more; short protein forms E3114G, E3192G, E3239G, E1992G, E3231G.
Identifiers: ClinVar variation 4711381 (VCV004711381.1).

ClinVar aggregate classification (germline): Uncertain significance (1 of 4 stars; one submission).

Conditions:
Long QT syndrome (LQTS). Identifiers: MedGen C0023976, MeSH D008133, MONDO:0002442. Disease mechanism: loss of function. Inheritance: Various modes of inheritance.

Submission:

Labcorp Genetics (formerly Invitae), Labcorp
Classification: Uncertain significance for Long QT syndrome. Last evaluated: 2025-11-08. Review status: criteria provided, single submitter. Criteria: Invitae Variant Classification Sherloc (09022015). Collection method: clinical testing. Allele origin: germline.
Comment: This sequence change replaces glutamic acid, which is acidic and polar, with glycine, which is neutral and non-polar, at codon 3192 of the ANK2 protein (p.Glu3192Gly). This variant is not present in population databases (gnomAD no frequency). This variant has not been reported in the literature in individuals affected with ANK2-related conditions. An algorithm developed to predict the effect of missense changes on protein structure and function outputs the following: PolyPhen-2: "Benign". The glycine amino acid residue is found in multiple mammalian species, which suggests that this missense change does not adversely affect protein function. In summary, the available evidence is currently insufficient to determine the role of this variant in disease. Therefore, it has been classified as a Variant of Uncertain Significance.